The following is an entry in ClinVar:

NM_000038.6(APC):c.4399C>A (p.Pro1467Thr)

Gene: APC (APC regulator of Wnt signaling pathway; plus strand). Cytogenetic location: 5q22.2.
Variant type: single nucleotide variant.
Coding change: c.4399C>A on transcript NM_000038.6 (MANE Select); coding-DNA position 4399, C replaced by A.
Protein change: p.Pro1467Thr; replaces proline 1467 with threonine.
Molecular consequence: missense variant. On other transcripts: non-coding transcript variant (2).
Genome position (GRCh38, 1-based): chr5:112,839,993, C>A. VCF-style: chr5-112839993-C-A. GRCh37 (hg19) VCF-style: chr5-112175690-C-A.
Other names: c.4399C>A, p.Pro1467Thr (NM_001127510.3, NM_001354895.2, NM_001407450.1); c.4345C>A, p.Pro1449Thr (NM_001127511.3); c.4453C>A, p.Pro1485Thr (NM_001354896.2, NM_001407447.1, NM_001407448.1 and 1 more transcripts); c.4429C>A, p.Pro1477Thr (NM_001354897.2); c.4324C>A, p.Pro1442Thr (NM_001354898.2); c.4315C>A, p.Pro1439Thr (NM_001354899.2); c.4276C>A, p.Pro1426Thr (NM_001354900.2); c.4222C>A, p.Pro1408Thr (NM_001354901.2, NM_001407453.1); and 11 more; short protein forms P1184T, P1338T, P1384T, P1408T, P1439T, P1460T, P1477T, P1083T.
Identifiers: ClinVar variation 2484449 (VCV002484449.3), dbSNP rs749142480, ClinGen allele CA16030964.

ClinVar aggregate classification (germline): Uncertain significance. Review status: criteria provided, multiple submitters, no conflicts (2 of 4 stars). 2 submissions from 2 submitters: Uncertain significance (2). Last evaluated 2025-03-24.

Conditions:
Hereditary cancer-predisposing syndrome. Also called: Neoplastic Syndromes, Hereditary; Hereditary neoplastic syndrome; Tumor predisposition; Hereditary Cancer Syndrome. Identifiers: Orphanet 140162, MedGen C0027672, MeSH D009386, MONDO:0015356.
Familial adenomatous polyposis 1 (FAP1). Also called: FAMILIAL ADENOMATOUS POLYPOSIS 1, ATTENUATED; POLYPOSIS, ADENOMATOUS INTESTINAL. Identifiers: MedGen C2713442, MONDO:0021056, OMIM 175100. Disease mechanism: loss of function.

Submissions (2):

Labcorp Genetics (formerly Invitae), Labcorp
Classification: Uncertain significance for Familial adenomatous polyposis 1. Last evaluated: 2025-03-24. Review status: criteria provided, single submitter. Criteria: Invitae Variant Classification Sherloc (09022015). Collection method: clinical testing. Allele origin: germline.
Comment: This sequence change replaces proline, which is neutral and non-polar, with threonine, which is neutral and polar, at codon 1467 of the APC protein (p.Pro1467Thr). This variant is not present in population databases (gnomAD no frequency). This variant has not been reported in the literature in individuals affected with APC-related conditions. ClinVar contains an entry for this variant (Variation ID: 2484449). Invitae Evidence Modeling of protein sequence and biophysical properties (such as structural, functional, and spatial information, amino acid conservation, physicochemical variation, residue mobility, and thermodynamic stability) indicates that this missense variant is not expected to disrupt APC protein function with a negative predictive value of 95%. In summary, the available evidence is currently insufficient to determine the role of this variant in disease. Therefore, it has been classified as a Variant of Uncertain Significance.

Ambry Genetics
Classification: Uncertain significance for Hereditary cancer-predisposing syndrome. Last evaluated: 2023-01-29. Review status: criteria provided, single submitter. Criteria: Ambry Variant Classification Scheme 2023. Collection method: clinical testing. Allele origin: germline.
Comment: The p.P1467T variant (also known as c.4399C>A), located in coding exon 15 of the APC gene, results from a C to A substitution at nucleotide position 4399. The proline at codon 1467 is replaced by threonine, an amino acid with highly similar properties. This amino acid position is conserved. In addition, in silico predictors for this gene do not accurately predict pathogenicity. Since supporting evidence is limited at this time, the clinical significance of this alteration remains unclear.